The following is an entry in ClinVar:

NM_181458.4(PAX3):c.1071C>T (p.Pro357=)

Genes: PAX3 (paired box 3; minus strand), LOC126806529 (CDK7 strongly-dependent group 2 enhancer GRCh37_chr2:223084735-223085934; plus strand). Cytogenetic location: 2q36.1.
Variant type: single nucleotide variant.
Coding change: c.1071C>T on transcript NM_181458.4 (MANE Select); coding-DNA position 1071, C replaced by T.
Protein change: p.Pro357=; no amino-acid change (proline 357 retained).
Molecular consequence: synonymous variant.
Genome position (GRCh38, 1-based): chr2:222,220,242, G>A on the plus strand (C>T on the coding strand, the complement: PAX3 is on the minus strand). VCF-style: chr2-222220242-G-A. GRCh37 (hg19) VCF-style: chr2-223084961-G-A.
Other names: c.1068C>T, p.Pro356= (NM_001127366.3); c.1071C>T, p.Pro357= (NM_181457.4, NM_181459.4, NM_181460.4 and 1 more transcripts).
Identifiers: ClinVar variation 783361 (VCV000783361.11), dbSNP rs35913673, ClinGen allele CA2135506.
Genomic context (GRCh38, chr2:222,220,242, plus strand): 5'-GGAGGGCCCCGACGGAGGCACAAAGCTGTCTGTATAGCTGGAAAATCCATGCCTGGTGCT[G>A]GGGAGGCAGTAGGCAGAGCTGCTGTCTGGGTTGGAAGGAATCGTGCTTTGGTGTACAGTG-3'
Protein context (NP_852123.1, residues 347-367): NPDSSSAYCL[Pro357=]STRHGFSSYT

ClinVar aggregate classification (germline): Benign/Likely benign. Review status: criteria provided, multiple submitters, no conflicts (2 of 4 stars). 5 submissions from 5 submitters: Benign (1); Likely benign (3). 1 of the submissions does not count toward it. Last evaluated 2025-10-09.

Conditions:
PAX3-related disorder. Also called: PAX3-related condition.

Allele frequency attached by ClinVar (database versions not stated): gnomAD exomes 0.00010; ExAC 0.00012; gnomAD 0.00029 and 0.00031; TOPMed 0.00042; ESP Exome Variant Server 0.00054; 1000 Genomes Project 0.00060; 1000 Genomes Project 30x 0.00078.
gnomAD v4.1: 96 of 1,613,932 alleles (0.0059%); highest among the groups gnomAD compares: African/African-American, 0.12%; no homozygotes.

Submissions (5):

Labcorp Genetics (formerly Invitae), Labcorp
Classification: Benign. Last evaluated: 2025-10-09. Review status: criteria provided, single submitter. Criteria: Invitae Variant Classification Sherloc (09022015). Collection method: clinical testing. Allele origin: germline.

Women's Health and Genetics/Laboratory Corporation of America, LabCorp
Classification: Likely benign. Last evaluated: 2025-09-11. Review status: criteria provided, single submitter. Criteria: LabCorp Variant Classification Summary - May 2015. Collection method: clinical testing. Allele origin: germline.

Blueprint Genetics
Classification: Likely benign. Last evaluated: 2024-11-20. Review status: criteria provided, single submitter. Criteria: ACMG Guidelines, 2015. Collection method: clinical testing. Allele origin: germline.

GeneDx
Classification: Likely benign. Last evaluated: 2021-05-18. Review status: criteria provided, single submitter. Criteria: GeneDx Variant Classification Process June 2021. Collection method: clinical testing. Allele origin: germline. Affected: yes.

PreventionGenetics, part of Exact Sciences
Classification: Likely benign for PAX3-related condition. Last evaluated: 2024-01-03. Review status: no assertion criteria provided. Collection method: clinical testing. Allele origin: germline. Not counted in ClinVar's aggregate classification.
Comment: This variant is classified as likely benign based on ACMG/AMP sequence variant interpretation guidelines (Richards et al. 2015 PMID: 25741868, with internal and published modifications).